The following is an entry in ClinVar:

NM_015040.4(PIKFYVE):c.2719G>A (p.Gly907Ser)

Gene: PIKFYVE (phosphoinositide kinase, FYVE-type zinc finger containing; plus strand). Cytogenetic location: 2q34.
Variant type: single nucleotide variant.
Coding change: c.2719G>A on transcript NM_015040.4 (MANE Select); coding-DNA position 2719, G replaced by A.
Protein change: p.Gly907Ser; replaces glycine 907 with serine.
Molecular consequence: missense variant.
Genome position (GRCh38, 1-based): chr2:208,325,530, G>A. VCF-style: chr2-208325530-G-A. GRCh37 (hg19) VCF-style: chr2-209190254-G-A.
Other names: short protein forms G907S.
Identifiers: ClinVar variation 2461245 (VCV002461245.3), dbSNP rs778006745, ClinGen allele CA2079907.
Genomic context (GRCh38, chr2:208,325,530, plus strand): 5'-CCTTCATTCCATTCCCTGATTGAGGGACGAGGGCATGAGGGGGCTGTCCAAGAGCAGTAC[G>A]GTGGAGGTTCCATCCCCTGGGATCCTGACATCCCTCCTGAGTCTCTGCCCTGTGATGATA-3'
Protein context (NP_055855.2, residues 897-917): GHEGAVQEQY[Gly907Ser]GGSIPWDPDI

ClinVar aggregate classification (germline): Conflicting classifications of pathogenicity. Review status: criteria provided, conflicting classifications (1 of 4 stars). 2 submissions from 2 submitters: Uncertain significance (1); Likely benign (1). Last evaluated 2025-06-05.

Conditions:
Inborn genetic diseases. Identifiers: MedGen C0950123, MeSH D030342.

Allele frequency attached by ClinVar (database versions not stated): ExAC 0.00001; gnomAD 0.00001; gnomAD exomes 0.00001; TOPMed 0.00001.
gnomAD v4.1: 14 of 1,614,022 alleles (0.00087%); highest among the groups gnomAD compares: South Asian, 0.0022%; no homozygotes.

Submissions (2):

Labcorp Genetics (formerly Invitae), Labcorp
Classification: Uncertain significance. Last evaluated: 2025-06-05. Review status: criteria provided, single submitter. Criteria: Invitae Variant Classification Sherloc (09022015). Collection method: clinical testing. Allele origin: germline.
Comment: This sequence change replaces glycine, which is neutral and non-polar, with serine, which is neutral and polar, at codon 907 of the PIKFYVE protein (p.Gly907Ser). This variant is present in population databases (rs778006745, gnomAD 0.003%). This variant has not been reported in the literature in individuals affected with PIKFYVE-related conditions. ClinVar contains an entry for this variant (Variation ID: 2461245). An algorithm developed to predict the effect of missense changes on protein structure and function outputs the following: PolyPhen-2: "Benign". The serine amino acid residue is found in multiple mammalian species, which suggests that this missense change does not adversely affect protein function. In summary, the available evidence is currently insufficient to determine the role of this variant in disease. Therefore, it has been classified as a Variant of Uncertain Significance.

Ambry Genetics
Classification: Likely benign for Inborn genetic diseases. Last evaluated: 2023-02-16. Review status: criteria provided, single submitter. Criteria: Ambry Variant Classification Scheme 2023. Collection method: clinical testing. Allele origin: germline.